The following is an entry in ClinVar:

NM_032208.3(ANTXR1):c.430G>A (p.Val144Ile)

Gene: ANTXR1 (ANTXR cell adhesion molecule 1; plus strand). Cytogenetic location: 2p13.3.
Variant type: single nucleotide variant.
Coding change: c.430G>A on transcript NM_032208.3 (MANE Select); coding-DNA position 430, G replaced by A.
Protein change: p.Val144Ile; replaces valine 144 with isoleucine.
Molecular consequence: missense variant.
Genome position (GRCh38, 1-based): chr2:69,073,039, G>A. VCF-style: chr2-69073039-G-A. GRCh37 (hg19) VCF-style: chr2-69300171-G-A.
Other names: c.430G>A (NM_032208.2); c.430G>A, p.Val144Ile (NM_001410840.1, NM_018153.3, NM_053034.2); short protein forms V144I.
Identifiers: ClinVar variation 1879472 (VCV001879472.30), dbSNP rs778487700, ClinGen allele CA1692887.

ClinVar aggregate classification (germline): Uncertain significance. Review status: criteria provided, multiple submitters, no conflicts (2 of 4 stars). 2 submissions from 2 submitters: Uncertain significance (2). Last evaluated 2024-09-04.

Conditions:
Inborn genetic diseases. Identifiers: MedGen C0950123, MeSH D030342.

Allele frequency attached by ClinVar (database versions not stated): ExAC 0.00002; gnomAD 0.00003; gnomAD exomes 0.00004; TOPMed 0.00005.

Submissions (2):

Ambry Genetics
Classification: Uncertain significance for Inborn genetic diseases. Last evaluated: 2024-09-04. Review status: criteria provided, single submitter. Criteria: Ambry Variant Classification Scheme 2023. Collection method: clinical testing. Allele origin: germline.

CeGaT Center for Human Genetics Tuebingen
Classification: Uncertain significance. Last evaluated: 2022-10-01. Review status: criteria provided, single submitter. Criteria: CeGaT Center For Human Genetics Tuebingen Variant Classification Criteria Version 2. Collection method: clinical testing. Allele origin: germline. Affected: yes. Observed: 1 variant allele.
Comment: ANTXR1: PM2, PP3